The following is an entry in ClinVar:

NM_000322.5(PRPH2):c.554T>C (p.Leu185Pro)

Gene: PRPH2 (peripherin 2; minus strand). Cytogenetic location: 6p21.1.
Variant type: single nucleotide variant.
Coding change: c.554T>C on transcript NM_000322.5 (MANE Select); coding-DNA position 554, T replaced by C.
Protein change: p.Leu185Pro; replaces leucine 185 with proline.
Molecular consequence: missense variant.
Genome position (GRCh38, 1-based): chr6:42,721,781, A>G on the plus strand (T>C on the coding strand, the complement: PRPH2 is on the minus strand). VCF-style: chr6-42721781-A-G. GRCh37 (hg19) VCF-style: chr6-42689519-A-G.
Other names: short protein forms L185P.
Identifiers: ClinVar variation 13165 (VCV000013165.15), dbSNP rs121918563, ClinGen allele CA122928.

ClinVar aggregate classification (germline): Pathogenic/Likely pathogenic. Review status: criteria provided, multiple submitters, no conflicts (2 of 4 stars). 10 submissions from 8 submitters: Pathogenic (3); Likely pathogenic (2). 5 of the submissions do not count toward it. Last evaluated 2025-12-15.

Conditions:
Patterned dystrophy of the retinal pigment epithelium (MDPT1). Identifiers: Orphanet 63454, MedGen C1868569, MONDO:0018973.
Patterned macular dystrophy 1. Also called: MACULAR DYSTROPHY, BUTTERFLY-SHAPED PIGMENTARY; BUTTERFLY DYSTROPHY OF RETINAL PIGMENT EPITHELIUM. Identifiers: Orphanet 99001, MedGen C4551999, MONDO:0008210, OMIM 169150.
PRPH2-related disorder. Also called: PRPH2-related disorders; PRPH2-related condition. Identifiers: MedGen CN239395.
Leber congenital amaurosis 18 (LCA18). Identifiers: MedGen C4013102, MONDO:1060145.
Retinitis pigmentosa 7, digenic. Also called: Retinitis pigmentosa 7, digenic form. Identifiers: MedGen C2675552, MONDO:1060144.
Retinitis pigmentosa (RP). Identifiers: Orphanet 791, MedGen C0035334, MeSH D012174, MONDO:0019200, OMIM 268000. Inheritance: Autosomal dominant, autosomal recessive and X linked inheritance.

Allele frequency attached by ClinVar (database versions not stated): gnomAD 0.00001; gnomAD exomes 0.00001 and 0.00002; TOPMed 0.00001.
gnomAD v4.1: 16 of 1,614,112 alleles (0.00099%); highest among the groups gnomAD compares: Non-Finnish European, 0.0013%; no homozygotes.

Submissions (10):

Labcorp Genetics (formerly Invitae), Labcorp
Classification: Pathogenic for PRPH2-related disorder. Last evaluated: 2025-12-15. Review status: criteria provided, single submitter. Criteria: Invitae Variant Classification Sherloc (09022015). Collection method: clinical testing. Allele origin: germline.
Comment: This sequence change replaces leucine, which is neutral and non-polar, with proline, which is neutral and non-polar, at codon 185 of the PRPH2 protein (p.Leu185Pro). This variant is present in population databases (rs121918563, gnomAD 0.002%). This missense change has been observed in individuals with autosomal recessive and autosomal dominant retinal dystrophy. This variant may be associated with a milder, later-onset form of autosomal dominant retinal dystrophy (PMID: 1684223, 8202715, 9331261, 16799052, 23847139, 26720483, 32531846; internal data). ClinVar contains an entry for this variant (Variation ID: 13165). Invitae Evidence Modeling of protein sequence and biophysical properties (such as structural, functional, and spatial information, amino acid conservation, physicochemical variation, residue mobility, and thermodynamic stability) indicates that this missense variant is expected to disrupt PRPH2 protein function with a positive predictive value of 95%. Experimental studies have shown that this missense change affects PRPH2 function (PMID: 8943002, 11297544, 11427722, 12925772). For these reasons, this variant has been classified as Pathogenic.

Blueprint Genetics
Classification: Pathogenic for PRPH2-related disorders. Last evaluated: 2024-11-17. Review status: criteria provided, single submitter. Criteria: ACMG Guidelines, 2015. Collection method: clinical testing. Allele origin: germline. Affected: yes. Observed: 5 variant alleles.

Ocular Genomics Institute, Massachusetts Eye and Ear
Classification: Likely pathogenic for Patterned macular dystrophy 1. Last evaluated: 2021-04-08. Review status: criteria provided, single submitter. Criteria: ACMG Guidelines, 2015. Collection method: research. Allele origin: germline. Affected: yes.
Comment: Through a review of available evidence we were able to apply the following criteria: PS3, PM2, PP3. Based on this evidence we have classified this variant as Likely Pathogenic.

NEI Ophthalmic Genomics Laboratory, National Institutes of Health
Classification: Likely pathogenic for Patterned dystrophy of the retinal pigment epithelium. Last evaluated: 2020-01-07. Review status: criteria provided, single submitter. Criteria: ACMG Guidelines, 2015. Collection method: clinical testing. Allele origin: germline. Affected: yes.
Comment: The variant NM_000322.4:c.554T>C in the PRPH2 gene has been previously studied(PMIDs 1684223, 8202715, 10800708, 12925772). This variant is listed in dbSNP and/or HGMD (rs121918563,CM910323). It is present in gnomAD browser (AF 0.00000812). It is not enriched in the PRPH2 disease cohort. We invoked ACMG criteria [PP1-M, PM1, PM2, PP3, PP5] and classified NM_000322.4:c.554T>C in the PRPH2 gene as a Likely Pathogenic mutation.

GeneDx
Classification: Pathogenic. Last evaluated: 2017-04-17. Review status: criteria provided, single submitter. Criteria: GeneDx Variant Classification (06012015). Collection method: clinical testing. Allele origin: germline. Affected: yes.
Comment: The L185P variant was reported in 3 families where it functioned as a recessive variant only resultingin a disease phenotype when inherited with a null (loss-of-function) variant in the ROM1 gene ( Kajiwaraet al. 1994). Therefore the L185P variant in the PRPH2 gene and a null variant in the ROM1 genecause a digenic form of retinitis pigmentosa. The L185P substitution has also been reported previously as anapparently homozygous variant in association with Leber congenital amaurosis (Wang et al., 2013). TheL185P variant was not observed in approximately 6,500 individuals of European and African Americanancestry in the NHLBI Exome Sequencing Project, indicating it is not a common benign variant in thesepopulations. The L185P variant is a semi-conservative amino acid substitution that occurs at a positionthat is conserved across species. In silico analysis predicts this substitution is probably damaging to theprotein structure/function. Therefore, L185P is interpreted to be a pathogenic variant.

Leiden Open Variation Database
Classification: Likely pathogenic for Retinitis pigmentosa. Last evaluated: 2021-04-06. Review status: no assertion criteria provided. Collection method: curation. Allele origin: germline. Affected: no. Not counted in ClinVar's aggregate classification.
Comment: Curator: Global Variome, with Curator vacancy. Submitters to LOVD: Feng Wang, Julia Lopez, Manon Peeters.

OMIM
Classification: Pathogenic for RETINITIS PIGMENTOSA 7, DIGENIC. Last evaluated: 2013-10-01. Review status: no assertion criteria provided. Collection method: literature only. Allele origin: germline. Not counted in ClinVar's aggregate classification.

OMIM
Classification: Pathogenic for LEBER CONGENITAL AMAUROSIS 18. Last evaluated: 2013-10-01. Review status: no assertion criteria provided. Collection method: literature only. Allele origin: germline. Not counted in ClinVar's aggregate classification.

OMIM
Classification: Pathogenic for MACULAR DYSTROPHY, PATTERNED, 1. Last evaluated: 2013-10-01. Review status: no assertion criteria provided. Collection method: literature only. Allele origin: germline. Not counted in ClinVar's aggregate classification.

Retina International
No classification provided. Review status: no classification provided. Collection method: not provided. Allele origin: not provided. Not counted in ClinVar's aggregate classification.

Literature cited by the submitters: PubMed 1684223 (cited by 4 submitters); PubMed 8202715 (cited by 4 submitters); PubMed 9331261 (cited by Labcorp Genetics (formerly Invitae), Labcorp and Leiden Open Variation Database); PubMed 16799052 (cited by Labcorp Genetics (formerly Invitae), Labcorp and Leiden Open Variation Database); PubMed 23847139 (cited by 4 submitters); PubMed 26720483 (cited by Labcorp Genetics (formerly Invitae), Labcorp and Leiden Open Variation Database); PubMed 32531846 (cited by Labcorp Genetics (formerly Invitae), Labcorp and Leiden Open Variation Database); PubMed 8943002 (cited by Labcorp Genetics (formerly Invitae), Labcorp); PubMed 11297544 (cited by 3 submitters); PubMed 11427722 (cited by Labcorp Genetics (formerly Invitae), Labcorp); PubMed 12925772 (cited by Labcorp Genetics (formerly Invitae), Labcorp and Ocular Genomics Institute, Massachusetts Eye and Ear); PubMed 10800708 (cited by Ocular Genomics Institute, Massachusetts Eye and Ear); PubMed 11139241 (cited by Leiden Open Variation Database).